The following is an entry in ClinVar:

ClinVar aggregate classification (germline): Uncertain significance (1 of 4 stars; one submission).

gnomAD v4.1: 3 of 1,614,090 alleles (0.00019%); highest among the groups gnomAD compares: Non-Finnish European, 0.00025%; no homozygotes.

Submission:

GeneDx
Classification: Uncertain significance. Last evaluated: 2019-05-15. Review status: criteria provided, single submitter. Criteria: GeneDx Variant Classification Process June 2021. Collection method: clinical testing. Allele origin: germline. Affected: yes.
Comment: Has not been previously published as pathogenic or benign to our knowledge; Not observed in large population cohorts (Lek et al., 2016); In silico analysis, which includes protein predictors and evolutionary conservation, supports a deleterious effect

NM_000888.5(ITGB6):c.540A>T (p.Lys180Asn)

Gene: ITGB6 (integrin subunit beta 6; minus strand). Cytogenetic location: 2q24.2.
Variant type: single nucleotide variant.
Coding change: c.540A>T on transcript NM_000888.5 (MANE Select); coding-DNA position 540, A replaced by T.
Protein change: p.Lys180Asn; replaces lysine 180 with asparagine.
Molecular consequence: missense variant.
Genome position (GRCh38, 1-based): chr2:160,195,422, T>A on the plus strand (A>T on the coding strand, the complement: ITGB6 is on the minus strand). VCF-style: chr2-160195422-T-A. GRCh37 (hg19) VCF-style: chr2-161051933-T-A.
Other names: c.540A>T, p.Lys180Asn (NM_001282353.2, NM_001282355.2); c.255A>T, p.Lys85Asn (NM_001282354.2); c.414A>T, p.Lys138Asn (NM_001282388.2); c.321A>T, p.Lys107Asn (NM_001282389.2); c.126A>T, p.Lys42Asn (NM_001282390.2); short protein forms K107N, K138N, K180N, K42N, K85N.
Identifiers: ClinVar variation 1305675 (VCV001305675.2), dbSNP rs2105897644, ClinGen allele CA348973699.
Genomic context (GRCh38, chr2:160,195,422, plus strand): 5'-TACTTACCTGCAAGGGTTGGCAATTTCTTCTGGTGTTGTTTTCACAAAAGGGGATACAGG[T>A]TTTTCCACAAAAGATCCGAAGCCCAGTCTAAAGTTGCTGGTTAATTTAGACATCTCTTTG-3'
Protein context (NP_000879.2, residues 170-190): FRLGFGSFVE[Lys180Asn]PVSPFVKTTP